The following is an entry in ClinVar:

ClinVar aggregate classification (germline): Uncertain significance. Review status: criteria provided, multiple submitters, no conflicts (2 of 4 stars). 2 submissions from 2 submitters: Uncertain significance (2). Last evaluated 2025-09-10.

gnomAD v4.1: 3 of 1,614,198 alleles (0.00019%); highest among the groups gnomAD compares: Non-Finnish European, 0.00025%; no homozygotes.

Submissions (2):

Labcorp Genetics (formerly Invitae), Labcorp
Classification: Uncertain significance. Last evaluated: 2025-09-10. Review status: criteria provided, single submitter. Criteria: Invitae Variant Classification Sherloc (09022015). Collection method: clinical testing. Allele origin: germline.
Comment: This sequence change replaces proline, which is neutral and non-polar, with alanine, which is neutral and non-polar, at codon 739 of the RNF43 protein (p.Pro739Ala). This variant is not present in population databases (gnomAD no frequency). This variant has not been reported in the literature in individuals affected with RNF43-related conditions. An algorithm developed to predict the effect of missense changes on protein structure and function outputs the following: PolyPhen-2: "Benign". The alanine amino acid residue is found in multiple mammalian species, which suggests that this missense change does not adversely affect protein function. In summary, the available evidence is currently insufficient to determine the role of this variant in disease. Therefore, it has been classified as a Variant of Uncertain Significance.

Ambry Genetics
Classification: Uncertain significance. Last evaluated: 2025-07-20. Review status: criteria provided, single submitter. Criteria: Ambry Variant Classification Scheme 2023. Collection method: clinical testing. Allele origin: germline.
Comment: The p.P739A variant (also known as c.2215C>G), located in coding exon 8 of the RNF43 gene, results from a C to G substitution at nucleotide position 2215. The proline at codon 739 is replaced by alanine, an amino acid with highly similar properties. This amino acid position is conserved. In addition, this alteration is predicted to be tolerated by in silico analysis. Based on the available evidence, the clinical significance of this variant remains unclear.

NM_017763.6(RNF43):c.2215C>G (p.Pro739Ala)

Gene: RNF43 (ring finger protein 43; minus strand). Cytogenetic location: 17q22.
Variant type: single nucleotide variant.
Coding change: c.2215C>G on transcript NM_017763.6 (MANE Select); coding-DNA position 2215, C replaced by G.
Protein change: p.Pro739Ala; replaces proline 739 with alanine.
Molecular consequence: missense variant.
Genome position (GRCh38, 1-based): chr17:58,357,561, G>C on the plus strand (C>G on the coding strand, the complement: RNF43 is on the minus strand). VCF-style: chr17-58357561-G-C. GRCh37 (hg19) VCF-style: chr17-56434922-G-C.
Other names: c.2215C>G, p.Pro739Ala (NM_001305544.3, NM_001438820.1, NM_001438821.1 and 1 more transcripts); c.1834C>G, p.Pro612Ala (NM_001305545.2, NM_001437987.1); short protein forms P739A, P612A.
Identifiers: ClinVar variation 4155755 (VCV004155755.2).